The following is an entry in ClinVar:

ClinVar aggregate classification (germline): Uncertain significance. Review status: criteria provided, multiple submitters, no conflicts (2 of 4 stars). 3 submissions from 3 submitters: Uncertain significance (3). Last evaluated 2025-08-21.

Conditions:
Inborn genetic diseases. Identifiers: MedGen C0950123, MeSH D030342.

Allele frequency attached by ClinVar (database versions not stated): gnomAD exomes below 0.00001; TOPMed below 0.00001; ExAC 0.00001; gnomAD 0.00003 and 0.00004.
gnomAD v4.1: 26 of 1,612,134 alleles (0.0016%); highest among the groups gnomAD compares: Middle Eastern, 0.033%; no homozygotes.

Submissions (3):

Labcorp Genetics (formerly Invitae), Labcorp
Classification: Uncertain significance. Last evaluated: 2025-08-21. Review status: criteria provided, single submitter. Criteria: Invitae Variant Classification Sherloc (09022015). Collection method: clinical testing. Allele origin: germline.
Comment: This sequence change replaces leucine, which is neutral and non-polar, with valine, which is neutral and non-polar, at codon 125 of the MPDZ protein (p.Leu125Val). This variant is present in population databases (rs569534921, gnomAD 0.007%). This variant has not been reported in the literature in individuals affected with MPDZ-related conditions. ClinVar contains an entry for this variant (Variation ID: 1366512). An algorithm developed to predict the effect of missense changes on protein structure and function (PolyPhen-2) suggests that this variant is likely to be tolerated. In summary, the available evidence is currently insufficient to determine the role of this variant in disease. Therefore, it has been classified as a Variant of Uncertain Significance.

Blueprint Genetics
Classification: Uncertain significance. Last evaluated: 2024-02-16. Review status: criteria provided, single submitter. Criteria: ACMG Guidelines, 2015. Collection method: clinical testing. Allele origin: germline.

Ambry Genetics
Classification: Uncertain significance for Inborn genetic diseases. Last evaluated: 2023-09-14. Review status: criteria provided, single submitter. Criteria: Ambry Variant Classification Scheme 2023. Collection method: clinical testing. Allele origin: germline.

NM_001378778.1(MPDZ):c.373C>G (p.Leu125Val)

Gene: MPDZ (multiple PDZ domain crumbs cell polarity complex component; minus strand). Cytogenetic location: 9p23.
Variant type: single nucleotide variant.
Coding change: c.373C>G on transcript NM_001378778.1 (MANE Select); coding-DNA position 373, C replaced by G.
Protein change: p.Leu125Val; replaces leucine 125 with valine.
Molecular consequence: missense variant.
Genome position (GRCh38, 1-based): chr9:13,224,394, G>C on the plus strand (C>G on the coding strand, the complement: MPDZ is on the minus strand). VCF-style: chr9-13224394-G-C. GRCh37 (hg19) VCF-style: chr9-13224393-G-C.
Other names: c.373C>G, p.Leu125Val (NM_001261406.2, NM_001261407.2, NM_001330637.2 and 14 more transcripts); c.373C>G (NM_003829.3); short protein forms L125V.
Identifiers: ClinVar variation 1366512 (VCV001366512.8), dbSNP rs569534921, ClinGen allele CA4988143.